The following is an entry in ClinVar:

GRCh38/hg38 22q13.31-13.33(chr22:47122613-50739836)x1

Genes: ACR (acrosin; plus strand), ADM2 (adrenomedullin 2; plus strand), ALG12 (ALG12 alpha-1,6-mannosyltransferase; minus strand), ARSA (arylsulfatase A; minus strand), BRD1 (bromodomain containing 1; minus strand) and 233 more. Cytogenetic location: 22q13.31-13.33.
Variant type: copy number loss.
Change: copy number 1 (one copy instead of two) of chr22:47,122,613-50,739,836 (3.62 Mb, GRCh38 coordinates, 1-based), cytogenetic band 22q13.31-13.33.
Identifiers: ClinVar variation 57674 (VCV000057674.2).

ClinVar aggregate classification (germline): Pathogenic (1 of 4 stars; one submission).

Submission:

ISCA Site 6
Classification: Pathogenic. Last evaluated: 2011-08-12. Review status: criteria provided, single submitter. Criteria: Kaminsky et al. (Genet Med. 2011). Collection method: clinical testing. Allele origin: de novo. Affected: yes. Observed: 1 variant allele.
Comment: Copy number variation identified through the course of routine clinical cytogenomic testing in postnatal populations. Clinical assertions have been curated as described in Kaminsky et al. 2011.